The following is an entry in ClinVar:

ClinVar aggregate classification (germline): Conflicting classifications of pathogenicity. Review status: criteria provided, conflicting classifications (1 of 4 stars). 4 submissions from 4 submitters: Uncertain significance (1); Benign (1); Likely benign (1). 1 of the submissions does not count toward it. Last evaluated 2025-12-28.

Conditions:
Immunodeficiency 51 (IMD51). Also called: CANDIDIASIS, FAMILIAL, 5. Identifiers: Orphanet 1334, MedGen C4310803, MONDO:0013500, OMIM 613953.
IL17RA-related disorder. Also called: IL17RA-related condition.

Allele frequency attached by ClinVar (database versions not stated): ExAC below 0.00001; gnomAD exomes 0.00017 and 0.00019; 1000 Genomes Project 0.00100; 1000 Genomes Project 30x 0.00141; gnomAD 0.00188 and 0.00204; TOPMed 0.00222.
gnomAD v4.1: 498 of 1,403,778 alleles (0.035%); highest among the groups gnomAD compares: African/African-American, 0.7%; 2 homozygotes.

Submissions (4):

Labcorp Genetics (formerly Invitae), Labcorp
Classification: Benign for Immunodeficiency 51. Last evaluated: 2025-12-28. Review status: criteria provided, single submitter. Criteria: Invitae Variant Classification Sherloc (09022015). Collection method: clinical testing. Allele origin: germline.

Blueprint Genetics
Classification: Likely benign. Last evaluated: 2023-11-20. Review status: criteria provided, single submitter. Criteria: ACMG Guidelines, 2015. Collection method: clinical testing. Allele origin: germline.

Illumina Laboratory Services, Illumina
Classification: Uncertain significance for Immunodeficiency 51. Last evaluated: 2018-01-13. Review status: criteria provided, single submitter. Criteria: ICSL Variant Classification Criteria 13 December 2019. Collection method: clinical testing. Allele origin: germline.

PreventionGenetics, part of Exact Sciences
Classification: Likely benign for IL17RA-related condition. Last evaluated: 2020-05-28. Review status: no assertion criteria provided. Collection method: clinical testing. Allele origin: germline. Not counted in ClinVar's aggregate classification.
Comment: This variant is classified as likely benign based on ACMG/AMP sequence variant interpretation guidelines (Richards et al. 2015 PMID: 25741868, with internal and published modifications).

NM_014339.7(IL17RA):c.30T>A (p.Ala10=)

Genes: IL17RA (interleukin 17 receptor A; plus strand), LOC130066894 (ATAC-STARR-seq lymphoblastoid silent region 13430; plus strand). Cytogenetic location: 22q11.1.
Variant type: single nucleotide variant.
Coding change: c.30T>A on transcript NM_014339.7 (MANE Select); coding-DNA position 30, T replaced by A.
Protein change: p.Ala10=; no amino-acid change (alanine 10 retained).
Molecular consequence: synonymous variant.
Genome position (GRCh38, 1-based): chr22:17,085,121, T>A. VCF-style: chr22-17085121-T-A. GRCh37 (hg19) VCF-style: chr22-17566011-T-A.
Other names: c.30T>A, p.Ala10= (NM_001289905.2).
Identifiers: ClinVar variation 714588 (VCV000714588.18), dbSNP rs577217331, ClinGen allele CA10086208.
Genomic context (GRCh38, chr22:17,085,121, plus strand): 5'-GGGCCGAGCCCTCCGCGACGCCAGCCGGGCCATGGGGGCCGCACGCAGCCCGCCGTCCGC[T>A]GTCCCGGGGCCCCTGCTGGGGCTGCTCCTGCTGCTCCTGGGCGTGCTGGCCCCGGGTGGC-3'
Protein context (NP_055154.3, residues 1-20): MGAARSPPS[Ala10=]VPGPLLGLLL